The following is an entry in ClinVar:

NM_002907.4(RECQL):c.632G>C (p.Arg211Thr)

Gene: RECQL (RecQ like helicase; minus strand). Cytogenetic location: 12p12.1.
Variant type: single nucleotide variant.
Coding change: c.632G>C on transcript NM_002907.4 (MANE Select); coding-DNA position 632, G replaced by C.
Protein change: p.Arg211Thr; replaces arginine 211 with threonine.
Molecular consequence: missense variant.
Genome position (GRCh38, 1-based): chr12:21,483,444, C>G on the plus strand (G>C on the coding strand, the complement: RECQL is on the minus strand). VCF-style: chr12-21483444-C-G. GRCh37 (hg19) VCF-style: chr12-21636378-C-G.
Other names: c.632G>C, p.Arg211Thr (NM_032941.3); short protein forms R211T.
Identifiers: ClinVar variation 3431769 (VCV003431769.1).

ClinVar aggregate classification (germline): Uncertain significance (1 of 4 stars; one submission).

Submission:

Ambry Genetics
Classification: Uncertain significance. Last evaluated: 2024-07-31. Review status: criteria provided, single submitter. Criteria: Ambry Variant Classification Scheme 2023. Collection method: clinical testing. Allele origin: germline.
Comment: The p.R211T variant (also known as c.632G>C), located in coding exon 5 of the RECQL gene, results from a G to C substitution at nucleotide position 632. The arginine at codon 211 is replaced by threonine, an amino acid with similar properties. This amino acid position is conserved. In addition, this alteration is predicted to be tolerated by in silico analysis. Based on the available evidence, the clinical significance of this variant remains unclear.